The following is an entry in ClinVar:

NM_001099922.3(ALG13):c.1001A>G (p.Asp334Gly)

Gene: ALG13 (ALG13 UDP-N-acetylglucosaminyltransferase subunit; plus strand). Cytogenetic location: Xq23.
Variant type: single nucleotide variant.
Coding change: c.1001A>G on transcript NM_001099922.3 (MANE Select); coding-DNA position 1001, A replaced by G.
Protein change: p.Asp334Gly; replaces aspartic acid 334 with glycine.
Molecular consequence: missense variant. On other transcripts: non-coding transcript variant (1).
Genome position (GRCh38, 1-based): chrX:111,713,293, A>G. VCF-style: chrX-111713293-A-G. GRCh37 (hg19) VCF-style: chrX-110956521-A-G.
Other names: c.689A>G, p.Asp230Gly (NM_001257230.2, NM_001257234.2, NM_001257237.2 and 1 more transcripts); c.767A>G, p.Asp256Gly (NM_001257231.2); c.1001A>G, p.Asp334Gly (NM_001324292.2); c.1001A>G (NM_001099922.2); short protein forms D230G, D256G, D334G.
Identifiers: ClinVar variation 1035401 (VCV001035401.5), dbSNP rs1940092970, ClinGen allele CA414250609.

ClinVar aggregate classification (germline): Uncertain significance. Review status: criteria provided, multiple submitters, no conflicts (2 of 4 stars). 2 submissions from 2 submitters: Uncertain significance (2). Last evaluated 2024-07-14.

Conditions:
Developmental and epileptic encephalopathy, 36 (DEE36). Also called: ALG13-CDG; Epileptic encephalopathy, early infantile, 36; Congenital disorder of glycosylation, type Is. Identifiers: Orphanet 324422, MedGen C4317295, MONDO:0010472, OMIM 300884.

Allele frequency attached by ClinVar (database versions not stated): gnomAD exomes below 0.00001.
gnomAD v4.1: 1 of 1,167,083 alleles (0.000086%); highest among the groups gnomAD compares: Admixed American, 0.0022%; no homozygotes.

Submissions (2):

GeneDx
Classification: Uncertain significance. Last evaluated: 2024-07-14. Review status: criteria provided, single submitter. Criteria: GeneDx Variant Classification Process June 2021. Collection method: clinical testing. Allele origin: germline. Affected: yes.
Comment: Not observed at significant frequency in large population cohorts (gnomAD); In silico analysis supports that this missense variant has a deleterious effect on protein structure/function; Has not been previously published as pathogenic or benign to our knowledge

Labcorp Genetics (formerly Invitae), Labcorp
Classification: Uncertain significance for Developmental and epileptic encephalopathy, 36. Last evaluated: 2021-08-27. Review status: criteria provided, single submitter. Criteria: Invitae Variant Classification Sherloc (09022015). Collection method: clinical testing. Allele origin: germline.